The following is an entry in ClinVar:

NM_001128228.3(TPRN):c.654C>T (p.Ala218=)

Gene: TPRN (taperin; minus strand). Cytogenetic location: 9q34.3.
Variant type: single nucleotide variant.
Coding change: c.654C>T on transcript NM_001128228.3 (MANE Select); coding-DNA position 654, C replaced by T.
Protein change: p.Ala218=; no amino-acid change (alanine 218 retained).
Molecular consequence: synonymous variant.
Genome position (GRCh38, 1-based): chr9:137,200,058, G>A on the plus strand (C>T on the coding strand, the complement: TPRN is on the minus strand). VCF-style: chr9-137200058-G-A. GRCh37 (hg19) VCF-style: chr9-140094510-G-A.
Identifiers: ClinVar variation 2659815 (VCV002659815.24), dbSNP rs768917098, ClinGen allele CA5362887.

ClinVar aggregate classification (germline): Likely benign (1 of 4 stars; one submission).

Allele frequency attached by ClinVar (database versions not stated): TOPMed below 0.00001; gnomAD 0.00001; gnomAD exomes 0.00003.
gnomAD v4.1: 42 of 1,433,400 alleles (0.0029%); highest among the groups gnomAD compares: South Asian, 0.059%; 1 homozygote.

Submission:

CeGaT Center for Human Genetics Tuebingen
Classification: Likely benign. Last evaluated: 2023-08-01. Review status: criteria provided, single submitter. Criteria: CeGaT Center For Human Genetics Tuebingen Variant Classification Criteria Version 2. Collection method: clinical testing. Allele origin: germline. Affected: yes. Observed: 1 variant allele.
Comment: TPRN: BP4, BP7